The following is an entry in ClinVar:

NM_001287.6(CLCN7):c.2288C>T (p.Ala763Val)

Gene: CLCN7 (Cl-/H+ antiporter 7; minus strand). Cytogenetic location: 16p13.3.
Variant type: single nucleotide variant.
Coding change: c.2288C>T on transcript NM_001287.6 (MANE Select); coding-DNA position 2288, C replaced by T.
Protein change: p.Ala763Val; replaces alanine 763 with valine.
Molecular consequence: missense variant.
Genome position (GRCh38, 1-based): chr16:1,447,049, G>A on the plus strand (C>T on the coding strand, the complement: CLCN7 is on the minus strand). VCF-style: chr16-1447049-G-A. GRCh37 (hg19) VCF-style: chr16-1497050-G-A.
Other names: c.2216C>T, p.Ala739Val (NM_001114331.3); short protein forms A739V, A763V.
Identifiers: ClinVar variation 1198872 (VCV001198872.3), dbSNP rs2142364954, ClinGen allele CA394185236.
Genomic context (GRCh38, chr16:1,447,049, plus strand): 5'-CCACCGCCCCCGCTCACCTGATTGCGGTTGTCCACCACCACCAGGTGCCGCAGGCCCAGG[G>A]CCCGGAACAGCTTGAACACCCGTGGGAGCGACGCCTCCTGCAGCAGGGGCACAGCTGTCA-3'
Protein context (NP_001278.1, residues 753-773): SLPRVFKLFR[Ala763Val]LGLRHLVVVD

ClinVar aggregate classification (germline): Uncertain significance. Review status: criteria provided, multiple submitters, no conflicts (2 of 4 stars). 2 submissions from 2 submitters: Uncertain significance (2). Last evaluated 2025-08-31.

Allele frequency attached by ClinVar (database versions not stated): gnomAD exomes below 0.00001.
gnomAD v4.1: 2 of 1,602,612 alleles (0.00012%); highest among the groups gnomAD compares: Non-Finnish European, 0.000085%; no homozygotes.

Submissions (2):

Labcorp Genetics (formerly Invitae), Labcorp
Classification: Uncertain significance. Last evaluated: 2025-08-31. Review status: criteria provided, single submitter. Criteria: Invitae Variant Classification Sherloc (09022015). Collection method: clinical testing. Allele origin: germline.
Comment: This sequence change replaces alanine, which is neutral and non-polar, with valine, which is neutral and non-polar, at codon 763 of the CLCN7 protein (p.Ala763Val). This variant is not present in population databases (gnomAD no frequency). This variant has not been reported in the literature in individuals affected with CLCN7-related conditions. ClinVar contains an entry for this variant (Variation ID: 1198872). Invitae Evidence Modeling of protein sequence and biophysical properties (such as structural, functional, and spatial information, amino acid conservation, physicochemical variation, residue mobility, and thermodynamic stability) indicates that this missense variant is not expected to disrupt CLCN7 protein function with a negative predictive value of 95%. In summary, the available evidence is currently insufficient to determine the role of this variant in disease. Therefore, it has been classified as a Variant of Uncertain Significance.

GeneDx
Classification: Uncertain significance. Last evaluated: 2019-05-19. Review status: criteria provided, single submitter. Criteria: GeneDx Variant Classification Process June 2021. Collection method: clinical testing. Allele origin: germline. Affected: yes.
Comment: Not observed in large population cohorts (Lek et al., 2016); In silico analysis, which includes protein predictors and evolutionary conservation, supports a deleterious effect; Has not been previously published as pathogenic or benign to our knowledge